The following is an entry in ClinVar:

NM_000238.4(KCNH2):c.2624C>G (p.Thr875Arg)

Gene: KCNH2 (potassium voltage-gated channel subfamily H member 2; minus strand). Cytogenetic location: 7q36.1.
Variant type: single nucleotide variant.
Coding change: c.2624C>G on transcript NM_000238.4 (MANE Select); coding-DNA position 2624, C replaced by G.
Protein change: p.Thr875Arg; replaces threonine 875 with arginine.
Molecular consequence: missense variant.
Genome position (GRCh38, 1-based): chr7:150,948,512, G>C on the plus strand (C>G on the coding strand, the complement: KCNH2 is on the minus strand). VCF-style: chr7-150948512-G-C. GRCh37 (hg19) VCF-style: chr7-150645600-G-C.
Other names: c.1604C>G, p.Thr535Arg (NM_172057.3); short protein forms T535R, T875R.
Identifiers: ClinVar variation 849676 (VCV000849676.7), dbSNP rs140743924, ClinGen allele CA369853837.
Genomic context (GRCh38, chr7:150,948,512, plus strand): 5'-GTGCGCCTGCGGAAGGACAACTTGCGCTTGCGTTGCCGACTGAAGCCACCCTCTAACTCC[G>C]TACTGCCGGGGGAGCCCGGGATCATGTTGGTCTGGAACCAAAATCAGTATCAGGGCCCTT-3'
Protein context (NP_000229.1, residues 865-885): TNMIPGSPGS[Thr875Arg]ELEGGFSRQR

ClinVar aggregate classification (germline): Uncertain significance (1 of 4 stars; one submission).

Conditions:
Long QT syndrome (LQTS). Identifiers: MedGen C0023976, MeSH D008133, MONDO:0002442. Disease mechanism: loss of function. Inheritance: Various modes of inheritance.

Submission:

Labcorp Genetics (formerly Invitae), Labcorp
Classification: Uncertain significance for Long QT syndrome. Last evaluated: 2022-04-30. Review status: criteria provided, single submitter. Criteria: Invitae Variant Classification Sherloc (09022015). Collection method: clinical testing. Allele origin: germline.
Comment: Algorithms developed to predict the effect of missense changes on protein structure and function (SIFT, PolyPhen-2, Align-GVGD) all suggest that this variant is likely to be tolerated. ClinVar contains an entry for this variant (Variation ID: 849676). This variant has not been reported in the literature in individuals affected with KCNH2-related conditions. This variant is not present in population databases (gnomAD no frequency). This sequence change replaces threonine, which is neutral and polar, with arginine, which is basic and polar, at codon 875 of the KCNH2 protein (p.Thr875Arg). Algorithms developed to predict the effect of sequence changes on RNA splicing suggest that this variant may create or strengthen a splice site. In summary, the available evidence is currently insufficient to determine the role of this variant in disease. Therefore, it has been classified as a Variant of Uncertain Significance.